The following is an entry in ClinVar:

ClinVar aggregate classification (germline): Uncertain significance (1 of 4 stars; one submission).

Conditions:
Congenital muscular hypertrophy-cerebral syndrome (CDLS2). Also called: Cornelia de Lange syndrome 2; SMC1A-Related Cornelia de Lange Syndrome. Identifiers: Orphanet 199, MedGen C1802395, MONDO:0010370, OMIM 300590.

Submission:

Labcorp Genetics (formerly Invitae), Labcorp
Classification: Uncertain significance for Congenital muscular hypertrophy-cerebral syndrome. Last evaluated: 2021-05-26. Review status: criteria provided, single submitter. Criteria: Invitae Variant Classification Sherloc (09022015). Collection method: clinical testing. Allele origin: germline.
Comment: In summary, the available evidence is currently insufficient to determine the role of this variant in disease. Therefore, it has been classified as a Variant of Uncertain Significance. Advanced modeling of protein sequence and biophysical properties (such as structural, functional, and spatial information, amino acid conservation, physicochemical variation, residue mobility, and thermodynamic stability) performed at Invitae indicates that this missense variant is expected to disrupt SMC1A protein function. This variant has been observed in individual(s) with clinical features of SMC1A-related conditions (Invitae). This variant is not present in population databases (ExAC no frequency). This sequence change replaces arginine with histidine at codon 518 of the SMC1A protein (p.Arg518His). The arginine residue is highly conserved and there is a small physicochemical difference between arginine and histidine.

NM_006306.4(SMC1A):c.1553G>A (p.Arg518His)

Gene: SMC1A (structural maintenance of chromosomes 1A; minus strand). Cytogenetic location: Xp11.22.
Variant type: single nucleotide variant.
Coding change: c.1553G>A on transcript NM_006306.4 (MANE Select); coding-DNA position 1553, G replaced by A.
Protein change: p.Arg518His; replaces arginine 518 with histidine.
Molecular consequence: missense variant.
Genome position (GRCh38, 1-based): chrX:53,405,949, C>T on the plus strand (G>A on the coding strand, the complement: SMC1A is on the minus strand). VCF-style: chrX-53405949-C-T. GRCh37 (hg19) VCF-style: chrX-53432881-C-T.
Other names: c.1487G>A, p.Arg496His (NM_001281463.1); short protein forms R496H, R518H.
Identifiers: ClinVar variation 1397513 (VCV001397513.8), dbSNP rs2146600129, ClinGen allele CA413254040.